The following is an entry in ClinVar:

ClinVar aggregate classification (germline): Likely pathogenic (1 of 4 stars; one submission).

Allele frequency attached by ClinVar (database versions not stated): TOPMed below 0.00001; ExAC 0.00001.

Submission:

Labcorp Genetics (formerly Invitae), Labcorp
Classification: Likely pathogenic. Last evaluated: 2022-07-25. Review status: criteria provided, single submitter. Criteria: Invitae Variant Classification Sherloc (09022015). Collection method: clinical testing. Allele origin: germline.
Comment: In summary, the currently available evidence indicates that the variant is pathogenic, but additional data are needed to prove that conclusively. Therefore, this variant has been classified as Likely Pathogenic. Algorithms developed to predict the effect of sequence changes on RNA splicing suggest that this variant may disrupt the consensus splice site. This variant has not been reported in the literature in individuals affected with VPS13A-related conditions. This variant is present in population databases (rs754192137, gnomAD 0.0009%). This sequence change affects an acceptor splice site in intron 11 of the VPS13A gene. It is expected to disrupt RNA splicing. Variants that disrupt the donor or acceptor splice site typically lead to a loss of protein function (PMID: 16199547), and loss-of-function variants in VPS13A are known to be pathogenic (PMID: 12404112, 21598378).

Literature cited by the submitters: PubMed 16199547; PubMed 12404112; PubMed 21598378.

NM_033305.3(VPS13A):c.883-1G>A

Gene: VPS13A (vacuolar protein sorting 13 homolog A; plus strand). Cytogenetic location: 9q21.2.
Variant type: single nucleotide variant.
Coding change: c.883-1G>A on transcript NM_033305.3 (MANE Select); the canonical splice acceptor site of the intron before coding-DNA position 883, G replaced by A.
Molecular consequence: splice acceptor variant.
Genome position (GRCh38, 1-based): chr9:77,220,276, G>A. VCF-style: chr9-77220276-G-A. GRCh37 (hg19) VCF-style: chr9-79835192-G-A.
Other names: c.883-1G>A (NM_001018037.2, NM_015186.4, NM_001018038.3).
Identifiers: ClinVar variation 2018997 (VCV002018997.4), dbSNP rs754192137, ClinGen allele CA5091521.